The following is an entry in ClinVar:

ClinVar aggregate classification (germline): Benign/Likely benign. Review status: criteria provided, multiple submitters, no conflicts (2 of 4 stars). 13 submissions from 12 submitters: Benign (6); Likely benign (5). 2 of the submissions do not count toward it. Last evaluated 2026-08-01.

Conditions:
Alzheimer disease 4 (AD4). Identifiers: Orphanet 1020, MedGen C1847200, MONDO:0011743, OMIM 606889.
Dilated cardiomyopathy 1V (CMD1V). Identifiers: Orphanet 154, MedGen C3150958, MONDO:0013373, OMIM 613697.

Allele frequency attached by ClinVar (database versions not stated): 1000 Genomes Project 0.00140; 1000 Genomes Project 30x 0.00156; TOPMed 0.00187; ESP Exome Variant Server 0.00277; ExAC 0.00336; gnomAD 0.00340 and 0.00349; gnomAD exomes 0.00357 and 0.00373.

Submissions (13):

CeGaT Center for Human Genetics Tuebingen
Classification: Likely benign. Last evaluated: 2026-08-01. Review status: criteria provided, single submitter. Criteria: CeGaT Center For Human Genetics Tuebingen Variant Classification Criteria Version 2. Collection method: clinical testing. Allele origin: germline. Affected: yes. Observed: 4 variant alleles.
Comment: PSEN2: BS2

Labcorp Genetics (formerly Invitae), Labcorp
Classification: Benign for Alzheimer disease 4. Last evaluated: 2026-02-02. Review status: criteria provided, single submitter. Criteria: Invitae Variant Classification Sherloc (09022015). Collection method: clinical testing. Allele origin: germline.

Blueprint Genetics
Classification: Benign. Last evaluated: 2024-11-25. Review status: criteria provided, single submitter. Criteria: ACMG Guidelines, 2015. Collection method: clinical testing. Allele origin: germline.

Mayo Clinic Laboratories, Mayo Clinic
Classification: Benign. Last evaluated: 2023-12-07. Review status: criteria provided, single submitter. Criteria: ACMG Guidelines, 2015. Collection method: clinical testing. Allele origin: germline. Observed: 3 variant alleles.
Comment: BS1, BS2

ARUP Laboratories, Molecular Genetics and Genomics, ARUP Laboratories
Classification: Likely benign. Last evaluated: 2023-09-18. Review status: criteria provided, single submitter. Criteria: ARUP Molecular Germline Variant Investigation Process 2024. Collection method: clinical testing. Allele origin: germline.

Mendelics
Classification: Benign for Alzheimer disease 4. Last evaluated: 2019-05-28. Review status: criteria provided, single submitter. Criteria: Mendelics Assertion Criteria 2017. Collection method: clinical testing. Allele origin: unknown.

Athena Diagnostics
Classification: Likely benign. Last evaluated: 2018-11-08. Review status: criteria provided, single submitter. Criteria: Athena Diagnostics Criteria. Collection method: clinical testing. Allele origin: germline.

Illumina Laboratory Services, Illumina
Classification: Benign for Alzheimer disease 4. Last evaluated: 2017-04-27. Review status: criteria provided, single submitter. Criteria: ICSL Variant Classification Criteria 13 December 2019. Collection method: clinical testing. Allele origin: germline.
Comment: This variant was observed as part of a predisposition screen in an ostensibly healthy population. A literature search was performed for the gene, cDNA change, and amino acid change (where applicable). No publications were found based on this search. Allele frequency data from public databases was too high to be consistent with this variant causing disease. Therefore, this variant is classified as benign.

Illumina Laboratory Services, Illumina
Classification: Benign for Dilated cardiomyopathy 1V. Last evaluated: 2017-04-27. Review status: criteria provided, single submitter. Criteria: ICSL Variant Classification Criteria 13 December 2019. Collection method: clinical testing. Allele origin: germline.
Comment: the same text as in the submission from Illumina Laboratory Services, Illumina above.

Biesecker Lab/Clinical Genomics Section, National Institutes of Health
Classification: Likely benign. Last evaluated: 2013-06-24. Review status: criteria provided, single submitter. Criteria: Ng et al. (Circ Cardiovasc Genet. 2013). Collection method: research. Allele origin: unknown. Observed: 4 variant alleles. Study: ClinSeq.
Comment: The study set was not selected for affection status in relation to any cancer. Pathogenicity categories were based on literature curation. See Pubmed ID:23861362 for details.

Medical sequencing

Breakthrough Genomics
Classification: Likely benign. Review status: criteria provided, single submitter. Criteria: ACMG Guidelines, 2015. Collection method: not provided. Allele origin: germline. Inheritance: Autosomal dominant inheritance. Affected: yes.

Genome Diagnostics Laboratory, Amsterdam University Medical Center
Classification: Likely benign. Review status: no assertion criteria provided. Collection method: clinical testing. Allele origin: germline. Affected: yes. Study: VKGL Data-share Consensus. Not counted in ClinVar's aggregate classification.

Genome Diagnostics Laboratory, University Medical Center Utrecht
Classification: Likely benign. Review status: no assertion criteria provided. Collection method: clinical testing. Allele origin: germline. Affected: yes. Study: VKGL Data-share Consensus. Not counted in ClinVar's aggregate classification.

Literature cited by the submitters: PubMed 15130954 (cited by Mayo Clinic Laboratories, Mayo Clinic and Athena Diagnostics); PubMed 16474849 (cited by Mayo Clinic Laboratories, Mayo Clinic and Athena Diagnostics); PubMed 21544564 (cited by Mayo Clinic Laboratories, Mayo Clinic and Athena Diagnostics); PubMed 22118943 (cited by Mayo Clinic Laboratories, Mayo Clinic and Athena Diagnostics); PubMed 22312439 (cited by Mayo Clinic Laboratories, Mayo Clinic and Athena Diagnostics); PubMed 36133075 (cited by Mayo Clinic Laboratories, Mayo Clinic); PubMed 23990795 (cited by Athena Diagnostics); PubMed 18667258 (cited by Athena Diagnostics); PubMed 21959359 (cited by Athena Diagnostics); PubMed 22503161 (cited by Athena Diagnostics); PubMed 22475797 (cited by Athena Diagnostics); PubMed 25604855 (cited by Athena Diagnostics); PubMed 26242991 (cited by Athena Diagnostics); PubMed 22753229 (cited by Athena Diagnostics).

NM_000447.3(PSEN2):c.211C>T (p.Arg71Trp)

Gene: PSEN2 (presenilin 2; plus strand). Cytogenetic location: 1q42.13.
Variant type: single nucleotide variant.
Coding change: c.211C>T on transcript NM_000447.3 (MANE Select); coding-DNA position 211, C replaced by T.
Protein change: p.Arg71Trp; replaces arginine 71 with tryptophan.
Molecular consequence: missense variant.
Genome position (GRCh38, 1-based): chr1:226,883,774, C>T. VCF-style: chr1-226883774-C-T. GRCh37 (hg19) VCF-style: chr1-227071475-C-T.
Other names: c.211C>T, p.Arg71Trp (NM_012486.3); short protein forms R71W.
Identifiers: ClinVar variation 192130 (VCV000192130.28), dbSNP rs140501902, ClinGen allele CA199983.